The following is an entry in ClinVar:

ClinVar aggregate classification (germline): Uncertain significance (1 of 4 stars; one submission).

Conditions:
Birt-Hogg-Dube syndrome. Also called: Birt Hogg Dubé syndrome. Identifiers: Orphanet 122, MedGen C0346010, MONDO:0800444.

Submission:

Labcorp Genetics (formerly Invitae), Labcorp
Classification: Uncertain significance for Birt-Hogg-Dube syndrome. Last evaluated: 2020-02-27. Review status: criteria provided, single submitter. Criteria: Invitae Variant Classification Sherloc (09022015). Collection method: clinical testing. Allele origin: germline.
Comment: This variant is not present in population databases (ExAC no frequency). This variant has not been reported in the literature in individuals with FLCN-related conditions. Experimental studies and prediction algorithms are not available or were not evaluated, and the functional significance of this variant is currently unknown. In summary, the available evidence is currently insufficient to determine the role of this variant in disease. Therefore, it has been classified as a Variant of Uncertain Significance. This variant, c.873_875del, results in the deletion of 2 amino acids and insertion of 1 amino acid in the FLCN protein (p.Asp291_Leu292delinsGlu), but otherwise preserves the integrity of the reading frame.

NM_144997.7(FLCN):c.873_875del (p.Asp291_Leu292delinsGlu)

Gene: FLCN (folliculin; minus strand). Cytogenetic location: 17p11.2.
Variant type: Deletion.
Coding change: c.873_875del on transcript NM_144997.7 (MANE Select); coding-DNA positions 873 to 875, 3 bases deleted (TTT; older notation c.873_875delTTT).
Protein change: p.Asp291_Leu292delinsGlu.
Molecular consequence: inframe indel.
Genome position (GRCh38, 1-based): chr17:17,219,206-17,219,208, AAA deleted on the plus strand (TTT on the coding strand, the reverse complement: FLCN is on the minus strand). VCF-style (leftmost placement, unchanged base first): chr17-17219205-TAAA-T. GRCh37 (hg19) VCF-style: chr17-17122519-TAAA-T.
Other names: c.927_929del, p.Asp309_Leu310delinsGlu (NM_001353229.2); c.873_875del, p.Asp291_Leu292delinsGlu (NM_001353230.2, NM_001353231.2).
Identifiers: ClinVar variation 1057926 (VCV001057926.5), dbSNP rs2144898536, ClinGen allele CA2499223918.